The following is an entry in ClinVar:

NM_017950.4(CCDC40):c.1372G>A (p.Ala458Thr)

Gene: CCDC40 (coiled-coil domain 40 molecular ruler complex subunit; plus strand). Cytogenetic location: 17q25.3.
Variant type: single nucleotide variant.
Coding change: c.1372G>A on transcript NM_017950.4 (MANE Select); coding-DNA position 1372, G replaced by A.
Protein change: p.Ala458Thr; replaces alanine 458 with threonine.
Molecular consequence: missense variant.
Genome position (GRCh38, 1-based): chr17:80,058,912, G>A. VCF-style: chr17-80058912-G-A. GRCh37 (hg19) VCF-style: chr17-78032711-G-A.
Other names: c.1372G>A, p.Ala458Thr (NM_001243342.2, NM_001330508.2); short protein forms A458T.
Identifiers: ClinVar variation 414641 (VCV000414641.18), dbSNP rs372976809, ClinGen allele CA8813803.

ClinVar aggregate classification (germline): Benign/Likely benign. Review status: criteria provided, multiple submitters, no conflicts (2 of 4 stars). 3 submissions from 3 submitters: Benign (1); Likely benign (2). Last evaluated 2025-12-15.

Conditions:
Primary ciliary dyskinesia. Also called: Ciliary dyskinesia. Identifiers: Orphanet 244, MedGen C0008780, MONDO:0016575, HP:0012265.
Primary ciliary dyskinesia 15. Also called: CILIARY DYSKINESIA, PRIMARY, 15, WITH OR WITHOUT SITUS INVERSUS. Identifiers: Orphanet 244, MedGen C3151137, MONDO:0013435, OMIM 613808.

Allele frequency attached by ClinVar (database versions not stated): gnomAD 0.00006; 1000 Genomes Project 0.00180; 1000 Genomes Project 30x 0.00187.
gnomAD v4.1: 1,160 of 1,614,160 alleles (0.072%); highest among the groups gnomAD compares: South Asian, 1.2%; 17 homozygotes.

Submissions (3):

Labcorp Genetics (formerly Invitae), Labcorp
Classification: Benign for Primary ciliary dyskinesia. Last evaluated: 2025-12-15. Review status: criteria provided, single submitter. Criteria: Invitae Variant Classification Sherloc (09022015). Collection method: clinical testing. Allele origin: germline.

Ambry Genetics
Classification: Likely benign for Primary ciliary dyskinesia. Last evaluated: 2021-10-29. Review status: criteria provided, single submitter. Criteria: Ambry Variant Classification Scheme 2023. Collection method: clinical testing. Allele origin: germline.

Illumina Laboratory Services, Illumina
Classification: Likely benign for Primary ciliary dyskinesia 15. Last evaluated: 2018-01-12. Review status: criteria provided, single submitter. Criteria: ICSL Variant Classification Criteria 13 December 2019. Collection method: clinical testing. Allele origin: germline.
Comment: This variant was observed in the ICSL laboratory as part of a predisposition screen in an ostensibly healthy population. It had not been previously curated by ICSL or reported in the Human Gene Mutation Database (HGMD: prior to June 1st, 2018), and was therefore a candidate for classification through an automated scoring system. Utilizing variant allele frequency, disease prevalence and penetrance estimates, and inheritance mode, an automated score was calculated to assess if this variant is too frequent to cause the disease. Based on the score and internal cut-off values, a variant classified as likely benign is not then subjected to further curation. The score for this variant resulted in a classification of likely benign for this disease.